The following is an entry in ClinVar:

NM_001041.4(SI):c.4630C>A (p.Arg1544Ser)

Gene: SI (sucrase-isomaltase; minus strand). Cytogenetic location: 3q26.1.
Variant type: single nucleotide variant.
Coding change: c.4630C>A on transcript NM_001041.4 (MANE Select); coding-DNA position 4630, C replaced by A.
Protein change: p.Arg1544Ser; replaces arginine 1544 with serine.
Molecular consequence: missense variant.
Genome position (GRCh38, 1-based): chr3:164,996,597, G>T on the plus strand (C>A on the coding strand, the complement: SI is on the minus strand). VCF-style: chr3-164996597-G-T. GRCh37 (hg19) VCF-style: chr3-164714385-G-T.
Other names: short protein forms R1544S.
Identifiers: ClinVar variation 1410647 (VCV001410647.6), dbSNP rs767701775, ClinGen allele CA355029661.

ClinVar aggregate classification (germline): Uncertain significance (1 of 4 stars; one submission).

gnomAD v4.1: 1 of 1,609,974 alleles (0.000062%); highest among the groups gnomAD compares: Non-Finnish European, 0.000085%; no homozygotes.

Submission:

Labcorp Genetics (formerly Invitae), Labcorp
Classification: Uncertain significance. Last evaluated: 2021-08-11. Review status: criteria provided, single submitter. Criteria: Invitae Variant Classification Sherloc (09022015). Collection method: clinical testing. Allele origin: germline.
Comment: This sequence change replaces arginine with serine at codon 1544 of the SI protein (p.Arg1544Ser). The arginine residue is highly conserved and there is a moderate physicochemical difference between arginine and serine. This variant is not present in population databases (ExAC no frequency). This variant has not been reported in the literature in individuals affected with SI-related conditions. Advanced modeling of protein sequence and biophysical properties (such as structural, functional, and spatial information, amino acid conservation, physicochemical variation, residue mobility, and thermodynamic stability) performed at Invitae indicates that this missense variant is expected to disrupt SI protein function. Algorithms developed to predict the effect of sequence changes on RNA splicing suggest that this variant may create or strengthen a splice site. In summary, the available evidence is currently insufficient to determine the role of this variant in disease. Therefore, it has been classified as a Variant of Uncertain Significance.